The following is an entry in ClinVar:

ClinVar aggregate classification (germline): Pathogenic (1 of 4 stars; one submission).

Submission:

Quest Diagnostics Nichols Institute San Juan Capistrano
Classification: Pathogenic. Last evaluated: 2022-03-02. Review status: criteria provided, single submitter. Criteria: ACMG/ClinGen CNV Guidelines, 2019. Collection method: clinical testing. Allele origin: unknown.
Comment: This copy number loss involves a number of genes, including ELN and LIMK1, and is expected to cause phenotypic and developmental abnormalities consistent with Williams-Beuren syndrome (OMIM 194050). Typical features include congenital heart defects, mainly supravalvular aortic stenosis, mild to moderate intellectual disability, distinctive facial features, and unique behavioral characteristics. See GeneReviews for additional information and references.

GRCh37/hg19 7q11.23(chr7:72608514-74386749)x1

Genes: CLDN3 (claudin 3; minus strand), CLDN4 (claudin 4; plus strand), BUD23 (BUD23 rRNA methyltransferase and ribosome maturation factor; plus strand), CLIP2 (CAP-Gly domain containing linker protein 2; plus strand), DNAJC30 (DnaJ heat shock protein family (Hsp40) member C30; minus strand) and 24 more. Cytogenetic location: 7q11.23.
Variant type: copy number loss.
Change: copy number 1 (one copy instead of two) of chr7:72,608,514-74,386,749 (1.78 Mb, GRCh37 coordinates, 1-based), cytogenetic band 7q11.23.
Identifiers: ClinVar variation 563403 (VCV000563403.4).